The following is an entry in ClinVar:

ClinVar aggregate classification (germline): Benign/Likely benign. Review status: criteria provided, multiple submitters, no conflicts (2 of 4 stars). 3 submissions from 3 submitters: Benign (1); Likely benign (2). Last evaluated 2026-05-04.

Conditions:
GLI2-related disorder. Also called: GLI2-related condition; GLI2-related disorders.
Holoprosencephaly 9 (HPE9). Also called: HOLOPROSENCEPHALY WITH MICROPHTHALMIA AND FIRST BRANCHIAL ARCH ANOMALIES; PITUITARY ANOMALIES WITH HOLOPROSENCEPHALY-LIKE FEATURES. Identifiers: Orphanet 2162, MedGen C1835819, MONDO:0012563, OMIM 610829.
Postaxial polydactyly-anterior pituitary anomalies-facial dysmorphism syndrome. Also called: Culler-Jones syndrome. Identifiers: Orphanet 420584, MedGen C4014479, MONDO:0014369, OMIM 615849.

Allele frequency attached by ClinVar (database versions not stated): 1000 Genomes Project 30x 0.00031; ESP Exome Variant Server 0.00077.
gnomAD v4.1: 170 of 1,614,108 alleles (0.011%); highest among the groups gnomAD compares: African/African-American, 0.2%; no homozygotes.

Submissions (3):

PreventionGenetics, part of Exact Sciences
Classification: Likely benign for GLI2-related condition. Last evaluated: 2026-05-04. Review status: criteria provided, single submitter. Criteria: ACMG Guidelines, 2015. Collection method: clinical testing. Allele origin: germline.
Comment: This variant is classified as likely benign based on ACMG/AMP sequence variant interpretation guidelines (Richards et al. 2015 PMID: 25741868, with internal and published modifications).

Labcorp Genetics (formerly Invitae), Labcorp
Classification: Benign for Postaxial polydactyly-anterior pituitary anomalies-facial dysmorphism syndrome; Holoprosencephaly 9. Last evaluated: 2025-12-24. Review status: criteria provided, single submitter. Criteria: Invitae Variant Classification Sherloc (09022015). Collection method: clinical testing. Allele origin: germline.

CeGaT Center for Human Genetics Tuebingen
Classification: Likely benign. Last evaluated: 2023-02-01. Review status: criteria provided, single submitter. Criteria: CeGaT Center For Human Genetics Tuebingen Variant Classification Criteria Version 2. Collection method: clinical testing. Allele origin: germline. Affected: yes. Observed: 1 variant allele.
Comment: GLI2: BP4, BP7, BS1

NM_001374353.1(GLI2):c.2136C>T (p.Phe712=)

Gene: GLI2 (GLI family zinc finger 2; plus strand). Cytogenetic location: 2q14.2.
Variant type: single nucleotide variant.
Coding change: c.2136C>T on transcript NM_001374353.1 (MANE Select); coding-DNA position 2136, C replaced by T.
Protein change: p.Phe712=; no amino-acid change (phenylalanine 712 retained).
Molecular consequence: synonymous variant.
Genome position (GRCh38, 1-based): chr2:120,986,508, C>T. VCF-style: chr2-120986508-C-T. GRCh37 (hg19) VCF-style: chr2-121744084-C-T.
Other names: c.2187C>T, p.Phe729= (NM_001371271.1, NM_005270.5); c.1761C>T, p.Phe587= (NM_001374354.1); c.2187C>T (NM_005270.4).
Identifiers: ClinVar variation 1600734 (VCV001600734.33), dbSNP rs151179617, ClinGen allele CA1852147.